The following is an entry in ClinVar:

NM_001011.4(RPS7):c.479A>G (p.Lys160Arg)

Gene: RPS7 (ribosomal protein S7; plus strand). Cytogenetic location: 2p25.3.
Variant type: single nucleotide variant.
Coding change: c.479A>G on transcript NM_001011.4 (MANE Select); coding-DNA position 479, A replaced by G.
Protein change: p.Lys160Arg; replaces lysine 160 with arginine.
Molecular consequence: missense variant.
Genome position (GRCh38, 1-based): chr2:3,580,232, A>G. VCF-style: chr2-3580232-A-G. GRCh37 (hg19) VCF-style: chr2-3627822-A-G.
Other names: short protein forms K160R.
Identifiers: ClinVar variation 2171810 (VCV002171810.4), dbSNP rs2528184454, ClinGen allele CA345743596.

ClinVar aggregate classification (germline): Uncertain significance (1 of 4 stars; one submission).

Conditions:
Diamond-Blackfan anemia 8 (DBA8). Also called: RPS7-Related Diamond-Blackfan Anemia. Identifiers: Orphanet 124, MedGen C2675511, MONDO:0012939, OMIM 612563.

Allele frequency attached by ClinVar (database versions not stated): gnomAD exomes below 0.00001.
gnomAD v4.1: 1 of 1,613,846 alleles (0.000062%); highest among the groups gnomAD compares: Non-Finnish European, 0.000085%; no homozygotes.

Submission:

Labcorp Genetics (formerly Invitae), Labcorp
Classification: Uncertain significance for Diamond-Blackfan anemia 8. Last evaluated: 2024-11-10. Review status: criteria provided, single submitter. Criteria: Invitae Variant Classification Sherloc (09022015). Collection method: clinical testing. Allele origin: germline.
Comment: This sequence change replaces lysine, which is basic and polar, with arginine, which is basic and polar, at codon 160 of the RPS7 protein (p.Lys160Arg). This variant is not present in population databases (gnomAD no frequency). This variant has not been reported in the literature in individuals affected with RPS7-related conditions. ClinVar contains an entry for this variant (Variation ID: 2171810). An algorithm developed to predict the effect of missense changes on protein structure and function (PolyPhen-2) suggests that this variant is likely to be tolerated. In summary, the available evidence is currently insufficient to determine the role of this variant in disease. Therefore, it has been classified as a Variant of Uncertain Significance.